The following is an entry in ClinVar:

ClinVar aggregate classification (germline): Uncertain significance (1 of 4 stars; one submission).

gnomAD v4.1: 1 of 1,611,992 alleles (0.000062%); highest among the groups gnomAD compares: Non-Finnish European, 0.000085%; no homozygotes.

Submission:

Labcorp Genetics (formerly Invitae), Labcorp
Classification: Uncertain significance. Last evaluated: 2021-11-26. Review status: criteria provided, single submitter. Criteria: Invitae Variant Classification Sherloc (09022015). Collection method: clinical testing. Allele origin: germline.
Comment: In summary, the available evidence is currently insufficient to determine the role of this variant in disease. Therefore, it has been classified as a Variant of Uncertain Significance. Algorithms developed to predict the effect of missense changes on protein structure and function are either unavailable or do not agree on the potential impact of this missense change (SIFT: "Deleterious"; PolyPhen-2: "Probably Damaging"; Align-GVGD: "Class C0"). This variant has not been reported in the literature in individuals affected with LPIN1-related conditions. This variant is not present in population databases (gnomAD no frequency). This sequence change replaces leucine, which is neutral and non-polar, with phenylalanine, which is neutral and non-polar, at codon 693 of the LPIN1 protein (p.Leu693Phe).

NM_001349206.2(LPIN1):c.2187G>T (p.Leu729Phe)

Gene: LPIN1 (lipin 1; plus strand). Cytogenetic location: 2p25.1.
Variant type: single nucleotide variant.
Coding change: c.2187G>T on transcript NM_001349206.2 (MANE Select); coding-DNA position 2187, G replaced by T.
Protein change: p.Leu729Phe; replaces leucine 729 with phenylalanine.
Molecular consequence: missense variant. On other transcripts: non-coding transcript variant (1).
Genome position (GRCh38, 1-based): chr2:11,805,094, G>T. VCF-style: chr2-11805094-G-T. GRCh37 (hg19) VCF-style: chr2-11945220-G-T.
Other names: c.2097G>T, p.Leu699Phe (NM_001261427.3); c.2334G>T, p.Leu778Phe (NM_001261428.3); c.2079G>T, p.Leu693Phe (NM_001349199.2, NM_145693.4); c.2157G>T, p.Leu719Phe (NM_001349200.2, NM_001349201.2); c.2184G>T, p.Leu728Phe (NM_001349202.2, NM_001349203.2); c.2187G>T, p.Leu729Phe (NM_001349204.2, NM_001349205.2); c.2277G>T, p.Leu759Phe (NM_001349207.2); c.2226G>T, p.Leu742Phe (NM_001349208.2); short protein forms L699F, L742F, L719F, L759F, L728F, L693F, L729F, L778F.
Identifiers: ClinVar variation 1395210 (VCV001395210.6), dbSNP rs2148703194, ClinGen allele CA345855639.